The following is an entry in ClinVar:

NM_032153.6(ZIC4):c.-15-1282C>T

Gene: ZIC4 (Zic family zinc finger 4; minus strand). Cytogenetic location: 3q24.
Variant type: single nucleotide variant.
Coding change: c.-15-1282C>T on transcript NM_032153.6 (MANE Select); 1282 bases into the intron before 15 bases upstream of the start codon, C replaced by T.
Molecular consequence: intron variant. On other transcripts: missense variant (1).
Genome position (GRCh38, 1-based): chr3:147,404,094, G>A on the plus strand (C>T on the coding strand, the complement: ZIC4 is on the minus strand). VCF-style: chr3-147404094-G-A. GRCh37 (hg19) VCF-style: chr3-147121881-G-A.
Other names: c.5C>T, p.Pro2Leu (NM_001168378.1); c.-15-1282C>T (NM_001243256.2); c.99+1279C>T (NM_001168379.2); short protein forms P2L.
Identifiers: ClinVar variation 2164333 (VCV002164333.5), dbSNP rs903837263, ClinGen allele CA84575992.

ClinVar aggregate classification (germline): Conflicting classifications of pathogenicity. Review status: criteria provided, conflicting classifications (1 of 4 stars). 2 submissions from 2 submitters: Uncertain significance (1); Likely benign (1). Last evaluated 2025-04-30.

Allele frequency attached by ClinVar (database versions not stated): gnomAD exomes 0.00002; TOPMed 0.00003; gnomAD 0.00004.
gnomAD v4.1: 30 of 1,536,620 alleles (0.002%); highest among the groups gnomAD compares: Admixed American, 0.02%; no homozygotes.

Submissions (2):

Ambry Genetics
Classification: Likely benign. Last evaluated: 2025-04-30. Review status: criteria provided, single submitter. Criteria: Ambry Variant Classification Scheme 2023. Collection method: clinical testing. Allele origin: germline.

Labcorp Genetics (formerly Invitae), Labcorp
Classification: Uncertain significance. Last evaluated: 2022-05-15. Review status: criteria provided, single submitter. Criteria: Invitae Variant Classification Sherloc (09022015). Collection method: clinical testing. Allele origin: germline.
Comment: In summary, the available evidence is currently insufficient to determine the role of this variant in disease. Therefore, it has been classified as a Variant of Uncertain Significance. Algorithms developed to predict the effect of missense changes on protein structure and function are either unavailable or do not agree on the potential impact of this missense change (SIFT: "Deleterious"; PolyPhen-2: "Benign"; Align-GVGD: "Class C0"). This variant has not been reported in the literature in individuals affected with ZIC4-related conditions. This variant is present in population databases (no rsID available, gnomAD 0.03%). This sequence change replaces proline, which is neutral and non-polar, with leucine, which is neutral and non-polar, at codon 2 of the ZIC4 protein (p.Pro2Leu).